The following is an entry in ClinVar:

NM_000169.3(GLA):c.837G>T (p.Gln279His)

Genes: GLA (galactosidase alpha; minus strand), RPL36A-HNRNPH2 (RPL36A-HNRNPH2 readthrough; plus strand). Cytogenetic location: Xq22.1.
Variant type: single nucleotide variant.
Coding change: c.837G>T on transcript NM_000169.3 (MANE Select); coding-DNA position 837, G replaced by T.
Protein change: p.Gln279His; replaces glutamine 279 with histidine.
Molecular consequence: missense variant. On other transcripts: non-coding transcript variant (3), intron variant (2).
Genome position (GRCh38, 1-based): chrX:101,398,532, C>A on the plus strand (G>T on the coding strand, the complement: GLA is on the minus strand). VCF-style: chrX-101398532-C-A. GRCh37 (hg19) VCF-style: chrX-100653520-C-A.
Other names: c.960G>T, p.Gln320His (NM_001406747.1); c.837G>T, p.Gln279His (NM_001406748.1); c.300+3075C>A (NM_001199973.2); c.177+6710C>A (NM_001199974.2); short protein forms Q279H, Q320H.
Identifiers: ClinVar variation 4087539 (VCV004087539.2).

ClinVar aggregate classification (germline): Pathogenic (1 of 4 stars; one submission).

Conditions:
Fabry disease. Also called: ALPHA-GALACTOSIDASE A DEFICIENCY; ANDERSON-FABRY DISEASE; CERAMIDE TRIHEXOSIDASE DEFICIENCY; GLA DEFICIENCY; HEREDITARY DYSTOPIC LIPIDOSIS; Angiokeratoma corporis diffusum. Identifiers: Orphanet 324, MedGen C0002986, MONDO:0010526, OMIM 301500, HP:0001071. Disease mechanism: Fabry disease is due to inactivating mutations in the X-linked GLA gene resulting in deficiency of the enzyme Alpha Galactosidase-A., loss of function.

Submission:

Genomenon, Inc
Classification: Pathogenic for Fabry disease. Last evaluated: 2026-09-08. Review status: criteria provided, single submitter. Criteria: Genomenon Sequence Variant Interpretation Standards - Updated. Collection method: curation. Allele origin: germline. Affected: yes.
Comment: GLA p.Gln279His (c.837G>T) is a missense variant that changes the amino acid at codon 279 from Glutamine to Histidine. This variant has been observed in at least one proband with clinical features consistent with Fabry disease (PMID:18297328;39609713). The variant was found to segregate with disease in at least one affected family (PMID:18297328). At least one functional study has demonstrated a substantial alteration in protein function relative to the wild-type (PMID:27657681). It is absent or not present at a significant frequency in gnomAD. In silico models predict that this variant is possibly or probably damaging. In conclusion, we classify GLA p.Gln279His (c.837G>T) as a pathogenic variant.

Literature cited by the submitters: PubMed 18297328; PubMed 39609713; PubMed 27657681.